The following is an entry in ClinVar:

NM_000092.5(COL4A4):c.72-3T>C

Gene: COL4A4 (collagen type IV alpha 4 chain; minus strand). Cytogenetic location: 2q36.3.
Variant type: single nucleotide variant.
Coding change: c.72-3T>C on transcript NM_000092.5 (MANE Select); 3 bases into the intron before coding-DNA position 72, T replaced by C.
Molecular consequence: intron variant.
Genome position (GRCh38, 1-based): chr2:227,144,561, A>G on the plus strand (T>C on the coding strand, the complement: COL4A4 is on the minus strand). VCF-style: chr2-227144561-A-G. GRCh37 (hg19) VCF-style: chr2-228009277-A-G.
Identifiers: ClinVar variation 2142344 (VCV002142344.2), dbSNP rs746717452, ClinGen allele CA2145814.

ClinVar aggregate classification (germline): Conflicting classifications of pathogenicity. Review status: criteria provided, conflicting classifications (1 of 4 stars). 2 submissions from 2 submitters: Uncertain significance (1); Likely benign (1). Last evaluated 2024-02-23.

Allele frequency attached by ClinVar (database versions not stated): TOPMed 0.00003; ExAC 0.00004; gnomAD 0.00004; gnomAD exomes 0.00004.
gnomAD v4.1: 60 of 1,600,936 alleles (0.0037%); highest among the groups gnomAD compares: Middle Eastern, 0.033%; no homozygotes.

Submissions (2):

Blueprint Genetics
Classification: Likely benign. Last evaluated: 2024-02-23. Review status: criteria provided, single submitter. Criteria: ACMG Guidelines, 2015. Collection method: clinical testing. Allele origin: germline.

Labcorp Genetics (formerly Invitae), Labcorp
Classification: Uncertain significance. Last evaluated: 2021-08-31. Review status: criteria provided, single submitter. Criteria: Invitae Variant Classification Sherloc (09022015). Collection method: clinical testing. Allele origin: germline.
Comment: This sequence change falls in intron 2 of the COL4A4 gene. It does not directly change the encoded amino acid sequence of the COL4A4 protein. It affects a nucleotide within the consensus splice site of the intron. This variant is present in population databases (rs746717452, ExAC 0.006%). This variant has not been reported in the literature in individuals affected with COL4A4-related conditions. Variants that disrupt the consensus splice site are a relatively common cause of aberrant splicing (PMID: 17576681, 9536098). Algorithms developed to predict the effect of sequence changes on RNA splicing suggest that this variant is not likely to affect RNA splicing. In summary, the available evidence is currently insufficient to determine the role of this variant in disease. Therefore, it has been classified as a Variant of Uncertain Significance.

Literature cited by the submitters: PubMed 17576681 (cited by Labcorp Genetics (formerly Invitae), Labcorp); PubMed 9536098 (cited by Labcorp Genetics (formerly Invitae), Labcorp).